The following is an entry in ClinVar:

ClinVar aggregate classification (germline): Uncertain significance (1 of 4 stars; one submission).

Allele frequency attached by ClinVar (database versions not stated): gnomAD exomes 0.00001.
gnomAD v4.1: 5 of 1,613,960 alleles (0.00031%); highest among the groups gnomAD compares: East Asian, 0.011%; no homozygotes.

Submission:

Labcorp Genetics (formerly Invitae), Labcorp
Classification: Uncertain significance. Last evaluated: 2022-09-06. Review status: criteria provided, single submitter. Criteria: Invitae Variant Classification Sherloc (09022015). Collection method: clinical testing. Allele origin: germline.
Comment: In summary, the available evidence is currently insufficient to determine the role of this variant in disease. Therefore, it has been classified as a Variant of Uncertain Significance. Advanced modeling of protein sequence and biophysical properties (such as structural, functional, and spatial information, amino acid conservation, physicochemical variation, residue mobility, and thermodynamic stability) performed at Invitae indicates that this missense variant is not expected to disrupt ABCC6 protein function. This variant has not been reported in the literature in individuals affected with ABCC6-related conditions. This variant is not present in population databases (gnomAD no frequency). This sequence change replaces isoleucine, which is neutral and non-polar, with methionine, which is neutral and non-polar, at codon 588 of the ABCC6 protein (p.Ile588Met).

NM_001171.6(ABCC6):c.1764C>G (p.Ile588Met)

Gene: ABCC6 (ATP binding cassette subfamily C member 6; minus strand). Cytogenetic location: 16p13.11.
Variant type: single nucleotide variant.
Coding change: c.1764C>G on transcript NM_001171.6 (MANE Select); coding-DNA position 1764, C replaced by G.
Protein change: p.Ile588Met; replaces isoleucine 588 with methionine.
Molecular consequence: missense variant. On other transcripts: non-coding transcript variant (1).
Genome position (GRCh38, 1-based): chr16:16,188,846, G>C on the plus strand (C>G on the coding strand, the complement: ABCC6 is on the minus strand). VCF-style: chr16-16188846-G-C. GRCh37 (hg19) VCF-style: chr16-16282703-G-C.
Other names: c.1422C>G, p.Ile474Met (NM_001351800.1); short protein forms I588M, I474M.
Identifiers: ClinVar variation 1938256 (VCV001938256.5), dbSNP rs1185782286, ClinGen allele CA394889250.
Genomic context (GRCh38, chr16:16,188,846, plus strand): 5'-CCACGCACTCTCCCAGGATGGCTCCAGCCCTTGCACCCACCTCACCTGGACGAGGGAGTG[G>C]ATGGAGAAGGGCAGGAAAGCCTGGGCCTTGTTGAGGATGTTGAGAACTGTGAGAGTCACA-3'
Protein context (NP_001162.5, residues 578-598): NKAQAFLPFS[Ile588Met]HSLVQARVSF